The following is an entry in ClinVar:

ClinVar aggregate classification (germline): Uncertain significance (1 of 4 stars; one submission).

Allele frequency attached by ClinVar (database versions not stated): gnomAD exomes below 0.00001.
gnomAD v4.1: 2 of 1,611,434 alleles (0.00012%); highest among the groups gnomAD compares: Non-Finnish European, 0.000085%; no homozygotes.

Submission:

Labcorp Genetics (formerly Invitae), Labcorp
Classification: Uncertain significance. Last evaluated: 2025-01-27. Review status: criteria provided, single submitter. Criteria: Invitae Variant Classification Sherloc (09022015). Collection method: clinical testing. Allele origin: germline.
Comment: This sequence change replaces proline, which is neutral and non-polar, with serine, which is neutral and polar, at codon 655 of the TBCK protein (p.Pro655Ser). This variant is not present in population databases (gnomAD no frequency). This variant has not been reported in the literature in individuals affected with TBCK-related conditions. ClinVar contains an entry for this variant (Variation ID: 1922446). Invitae Evidence Modeling of protein sequence and biophysical properties (such as structural, functional, and spatial information, amino acid conservation, physicochemical variation, residue mobility, and thermodynamic stability) indicates that this missense variant is not expected to disrupt TBCK protein function with a negative predictive value of 80%. In summary, the available evidence is currently insufficient to determine the role of this variant in disease. Therefore, it has been classified as a Variant of Uncertain Significance.

NM_001163435.3(TBCK):c.1963C>T (p.Pro655Ser)

Gene: TBCK (TBC1 domain containing kinase; minus strand). Cytogenetic location: 4q24.
Variant type: single nucleotide variant.
Coding change: c.1963C>T on transcript NM_001163435.3 (MANE Select); coding-DNA position 1963, C replaced by T.
Protein change: p.Pro655Ser; replaces proline 655 with serine.
Molecular consequence: missense variant.
Genome position (GRCh38, 1-based): chr4:106,193,705, G>A on the plus strand (C>T on the coding strand, the complement: TBCK is on the minus strand). VCF-style: chr4-106193705-G-A. GRCh37 (hg19) VCF-style: chr4-107114862-G-A.
Other names: c.1963C>T, p.Pro655Ser (NM_001163436.4); c.1846C>T, p.Pro616Ser (NM_001163437.3); c.1447C>T, p.Pro483Ser (NM_001290768.2); c.1774C>T, p.Pro592Ser (NM_033115.5); short protein forms P655S, P483S, P592S, P616S.
Identifiers: ClinVar variation 1922446 (VCV001922446.5), dbSNP rs1025763832, ClinGen allele CA102809894.
Genomic context (GRCh38, chr4:106,193,705, plus strand): 5'-AGCCATTAGCCAAAAGCCGGTCCCGCAGCTGCTGAAGAATTGCTACTCCAATACAGAATG[G>A]GAAAGAGGAATTCCCAAGTAGTAAGGTATCCCAGAGGTGGAAAATTTTGTGTAGTGGAAA-3'
Protein context (NP_001156907.2, residues 645-665): DTLLLGNSSF[Pro655Ser]FCIGVAILQQ